The following is an entry in ClinVar:

NM_024408.4(NOTCH2):c.5429C>T (p.Pro1810Leu)

Gene: NOTCH2 (notch receptor 2; minus strand). Cytogenetic location: 1p12.
Variant type: single nucleotide variant.
Coding change: c.5429C>T on transcript NM_024408.4 (MANE Select); coding-DNA position 5429, C replaced by T.
Protein change: p.Pro1810Leu; replaces proline 1810 with leucine.
Molecular consequence: missense variant.
Genome position (GRCh38, 1-based): chr1:119,920,279, G>A on the plus strand (C>T on the coding strand, the complement: NOTCH2 is on the minus strand). VCF-style: chr1-119920279-G-A. GRCh37 (hg19) VCF-style: chr1-120462902-G-A.
Other names: short protein forms P1810L.
Identifiers: ClinVar variation 2152216 (VCV002152216.4), dbSNP rs779369076, ClinGen allele CA341885449.

ClinVar aggregate classification (germline): Uncertain significance (1 of 4 stars; one submission).

Conditions:
Hajdu-Cheney syndrome (HJCYS). Also called: SERPENTINE FIBULA-POLYCYSTIC KIDNEY SYNDROME; ACROOSTEOLYSIS WITH OSTEOPOROSIS AND CHANGES IN SKULL AND MANDIBLE; Acroosteolysis dominant type. Identifiers: Orphanet 955, MedGen C0917715, MONDO:0007057, OMIM 102500.

gnomAD v4.1: 1 of 1,614,194 alleles (0.000062%); highest among the groups gnomAD compares: Admixed American, 0.0017%; no homozygotes.

Submission:

Labcorp Genetics (formerly Invitae), Labcorp
Classification: Uncertain significance for Hajdu-Cheney syndrome. Last evaluated: 2022-05-25. Review status: criteria provided, single submitter. Criteria: Invitae Variant Classification Sherloc (09022015). Collection method: clinical testing. Allele origin: germline.
Comment: In summary, the available evidence is currently insufficient to determine the role of this variant in disease. Therefore, it has been classified as a Variant of Uncertain Significance. Advanced modeling of protein sequence and biophysical properties (such as structural, functional, and spatial information, amino acid conservation, physicochemical variation, residue mobility, and thermodynamic stability) performed at Invitae indicates that this missense variant is expected to disrupt NOTCH2 protein function. This variant has not been reported in the literature in individuals affected with NOTCH2-related conditions. This variant is present in population databases (no rsID available, gnomAD 0.003%). This sequence change replaces proline, which is neutral and non-polar, with leucine, which is neutral and non-polar, at codon 1810 of the NOTCH2 protein (p.Pro1810Leu).